The following is an entry in ClinVar:

ClinVar aggregate classification (germline): Likely pathogenic (1 of 4 stars; one submission).

Conditions:
Intellectual developmental disorder, autosomal dominant 54. Also called: MENTAL RETARDATION, AUTOSOMAL DOMINANT 54; Intellectual disability, autosomal dominant 54. Identifiers: MedGen C4540484, MONDO:0030920, OMIM 617799.

Submission:

Victorian Clinical Genetics Services, Murdoch Childrens Research Institute
Classification: Likely pathogenic for Intellectual developmental disorder, autosomal dominant 54. Last evaluated: 2025-12-16. Review status: criteria provided, single submitter. Criteria: ACMG Guidelines, 2015. Collection method: clinical testing. Allele origin: germline. Affected: yes.
Comment: This variant is classified as Likely pathogenic. Evidence in support of pathogenic classification: Variant is predicted to result in a truncated protein (premature termination codon is NOT located at least 54 nucleotides upstream of the final exon-exon junction) with less than 1/3 of the protein sequence affected; Variant is absent from gnomAD (v2, v3 and v4); Additional information: This variant is heterozygous; This gene is associated with autosomal dominant disease; This variant has no previous evidence of pathogenicity; No published evidence of segregation with disease has been identified for this variant; No published functional evidence has been identified for this variant; Another protein truncating variant(s) comparable to the one identified in this case has inconclusive previous evidence for pathogenicity. A downstream truncating variant, p.(Gln629*), has been classified as a VUS by a clinical laboratory in ClinVar. - Variant is predicted to truncate part of the calcium/calmodulin dependent protein kinase II association domain (DECIPHER). - Gain of function is a known mechanism of disease in this gene and is associated with intellectual developmental disorder, autosomal dominant 54 (MIM#617799). Loss of function has been shown for a single missense variant (PMID: 29100089).

Literature cited by the submitters: PubMed 29100089.

NM_001220.5(CAMK2B):c.1834G>T (p.Glu612Ter)

Gene: CAMK2B (calcium/calmodulin dependent protein kinase II beta; minus strand). Cytogenetic location: 7p13.
Variant type: single nucleotide variant.
Coding change: c.1834G>T on transcript NM_001220.5 (MANE Select); coding-DNA position 1834, G replaced by T.
Protein change: p.Glu612Ter; replaces glutamic acid 612 with a stop codon.
Molecular consequence: nonsense.
Genome position (GRCh38, 1-based): chr7:44,220,229, C>A on the plus strand (G>T on the coding strand, the complement: CAMK2B is on the minus strand). VCF-style: chr7-44220229-C-A. GRCh37 (hg19) VCF-style: chr7-44259828-C-A.
Other names: c.1462G>T, p.Glu488Ter (NM_001293170.2, NM_172078.3); c.1390G>T, p.Glu464Ter (NM_172079.3); c.1387G>T, p.Glu463Ter (NM_172080.3); c.1345G>T, p.Glu449Ter (NM_172081.3); c.1312G>T, p.Glu438Ter (NM_172082.3); c.1273G>T, p.Glu425Ter (NM_172083.3); c.1183G>T, p.Glu395Ter (NM_172084.3); short protein forms E395*, E425*, E438*, E449*, E463*, E464*, E488*, E612*.
Identifiers: ClinVar variation 4819025 (VCV004819025.1).